The following is an entry in ClinVar:

ClinVar aggregate classification (germline): Uncertain significance (1 of 4 stars; one submission).

Conditions:
Thrombophilia due to protein S deficiency, autosomal recessive (THPH6). Identifiers: Orphanet 743, MedGen C3281092, MONDO:0013791, OMIM 614514. Disease mechanism: loss of function.

Allele frequency attached by ClinVar (database versions not stated): ExAC 0.00006; gnomAD exomes 0.00006; 1000 Genomes Project 30x 0.00016; TOPMed 0.00019; 1000 Genomes Project 0.00020; ESP Exome Variant Server 0.00023; gnomAD 0.00023 and 0.00024.
gnomAD v4.1: 77 of 1,613,988 alleles (0.0048%); highest among the groups gnomAD compares: African/African-American, 0.079%; no homozygotes.

Submission:

Labcorp Genetics (formerly Invitae), Labcorp
Classification: Uncertain significance for Thrombophilia due to protein S deficiency, autosomal recessive. Last evaluated: 2021-08-30. Review status: criteria provided, single submitter. Criteria: Invitae Variant Classification Sherloc (09022015). Collection method: clinical testing. Allele origin: germline.
Comment: This sequence change falls in intron 5 of the PROS1 gene. It does not directly change the encoded amino acid sequence of the PROS1 protein. It affects a nucleotide within the consensus splice site of the intron. This variant is present in population databases (rs200980997, ExAC 0.06%). This variant has been observed in individual(s) with a personal or family history ofthrombosis (PMID: 20880255). Variants that disrupt the consensus splice site are a relatively common cause of aberrant splicing (PMID: 17576681, 9536098). Algorithms developed to predict the effect of sequence changes on RNA splicing suggest that this variant is not likely to affect RNA splicing. In summary, the available evidence is currently insufficient to determine the role of this variant in disease. Therefore, it has been classified as a Variant of Uncertain Significance.

Literature cited by the submitters: PubMed 20880255; PubMed 17576681; PubMed 9536098.

NM_000313.4(PROS1):c.469+4C>T

Gene: PROS1 (protein S; minus strand). Cytogenetic location: 3q11.1.
Variant type: single nucleotide variant.
Coding change: c.469+4C>T on transcript NM_000313.4 (MANE Select); 4 bases into the intron after coding-DNA position 469, C replaced by T.
Molecular consequence: intron variant.
Genome position (GRCh38, 1-based): chr3:93,906,017, G>A on the plus strand (C>T on the coding strand, the complement: PROS1 is on the minus strand). VCF-style: chr3-93906017-G-A. GRCh37 (hg19) VCF-style: chr3-93624861-G-A.
Other names: c.565+4C>T (NM_001314077.2).
Identifiers: ClinVar variation 864141 (VCV000864141.3), dbSNP rs200980997, ClinGen allele CA2503490.